The following is an entry in ClinVar:

ClinVar aggregate classification (germline): Uncertain significance. Review status: criteria provided, single submitter (1 of 4 stars). 2 submissions from 2 submitters: Uncertain significance (1). 1 of the submissions does not count toward it. Last evaluated 2018-11-23.

Conditions:
3-methylcrotonyl-CoA carboxylase 1 deficiency (MCC1D). Also called: MCCD TYPE 1; METHYLCROTONYLGLYCINURIA TYPE I; MCC 1 deficiency; 3 Alpha methylcrotonylglycinuria 1. Identifiers: Orphanet 6, MedGen CN028786, MONDO:0008861, OMIM 210200.

Allele frequency attached by ClinVar (database versions not stated): TOPMed 0.00001.

Submissions (2):

Labcorp Genetics (formerly Invitae), Labcorp
Classification: Uncertain significance for 3-methylcrotonyl-CoA carboxylase 1 deficiency. Last evaluated: 2018-11-23. Review status: criteria provided, single submitter. Criteria: Invitae Variant Classification Sherloc (09022015). Collection method: clinical testing. Allele origin: germline.
Comment: This variant has not been reported in the literature in individuals with MCCC1-related conditions. Algorithms developed to predict the effect of missense changes on protein structure and function (SIFT, PolyPhen-2, Align-GVGD) all suggest that this variant is likely to be disruptive, but these predictions have not been confirmed by published functional studies and their clinical significance is uncertain. In summary, the available evidence is currently insufficient to determine the role of this variant in disease. Therefore, it has been classified as a Variant of Uncertain Significance. This variant is not present in population databases (ExAC no frequency). This sequence change replaces proline with leucine at codon 408 of the MCCC1 protein (p.Pro408Leu). The proline residue is highly conserved and there is a moderate physicochemical difference between proline and leucine.

Natera, Inc.
Classification: Uncertain significance for 3-methylcrotonyl-CoA carboxylase 1 deficiency. Last evaluated: 2025-01-28. Review status: no assertion criteria provided. Collection method: clinical testing. Allele origin: germline. Not counted in ClinVar's aggregate classification.

NM_020166.5(MCCC1):c.1223C>T (p.Pro408Leu)

Gene: MCCC1 (methylcrotonyl-CoA carboxylase subunit 1; minus strand). Cytogenetic location: 3q27.1.
Variant type: single nucleotide variant.
Coding change: c.1223C>T on transcript NM_020166.5 (MANE Select); coding-DNA position 1223, C replaced by T.
Protein change: p.Pro408Leu; replaces proline 408 with leucine.
Molecular consequence: missense variant. On other transcripts: non-coding transcript variant (2).
Genome position (GRCh38, 1-based): chr3:183,041,611, G>A on the plus strand (C>T on the coding strand, the complement: MCCC1 is on the minus strand). VCF-style: chr3-183041611-G-A. GRCh37 (hg19) VCF-style: chr3-182759399-G-A.
Other names: c.872C>T, p.Pro291Leu (NM_001293273.2); c.896C>T, p.Pro299Leu (NM_001363880.1); short protein forms P299L, P408L, P291L.
Identifiers: ClinVar variation 650757 (VCV000650757.10), dbSNP rs1577276072, ClinGen allele CA355322488.